The following is an entry in ClinVar:

NM_000384.3(APOB):c.11674C>T (p.Pro3892Ser)

Gene: APOB (apolipoprotein B; minus strand). Cytogenetic location: 2p24.1.
Variant type: single nucleotide variant.
Coding change: c.11674C>T on transcript NM_000384.3 (MANE Select); coding-DNA position 11674, C replaced by T.
Protein change: p.Pro3892Ser; replaces proline 3892 with serine.
Molecular consequence: missense variant.
Genome position (GRCh38, 1-based): chr2:21,005,194, G>A on the plus strand (C>T on the coding strand, the complement: APOB is on the minus strand). VCF-style: chr2-21005194-G-A. GRCh37 (hg19) VCF-style: chr2-21228066-G-A.
Other names: short protein forms P3892S.
Identifiers: ClinVar variation 1026269 (VCV001026269.11), dbSNP rs1663093064, ClinGen allele CA345977774.

ClinVar aggregate classification (germline): Uncertain significance (1 of 4 stars; one submission).

Conditions:
Familial hypobetalipoproteinemia 1. Also called: APOB-Related Familial Hypobetalipoproteinemia; Hypobetalipoproteinemia, normotriglyceridemic; Acanthocytosis with hypobetalipoproteinemia. Identifiers: MedGen C4551990, MONDO:0014252, OMIM 615558.
Hypercholesterolemia, autosomal dominant, type B (FHCL2). Also called: APOLIPOPROTEIN B-100, FAMILIAL DEFECTIVE; APOLIPOPROTEIN B-100, FAMILIAL LIGAND-DEFECTIVE; HYPERCHOLESTEROLEMIA, FAMILIAL, DUE TO LIGAND-DEFECTIVE APOLIPOPROTEIN B; Hyperlipoproteinemia Type IIb; Familial hypercholesterolemia 2; Familial Hypercholesterolemia Type B. Identifiers: MedGen C1704417, MONDO:0007751, OMIM 144010.

Submission:

Labcorp Genetics (formerly Invitae), Labcorp
Classification: Uncertain significance for Familial hypobetalipoproteinemia 1; Hypercholesterolemia, autosomal dominant, type B. Last evaluated: 2020-04-20. Review status: criteria provided, single submitter. Criteria: Invitae Variant Classification Sherloc (09022015). Collection method: clinical testing. Allele origin: germline.
Comment: This variant has not been reported in the literature in individuals with APOB-related conditions. In summary, the available evidence is currently insufficient to determine the role of this variant in disease. Therefore, it has been classified as a Variant of Uncertain Significance. Algorithms developed to predict the effect of missense changes on protein structure and function are either unavailable or do not agree on the potential impact of this missense change (SIFT: "Deleterious"; PolyPhen-2: "Probably Damaging"; Align-GVGD: "Class C0"). This variant is not present in population databases (ExAC no frequency). This sequence change replaces proline with serine at codon 3892 of the APOB protein (p.Pro3892Ser). The proline residue is highly conserved and there is a moderate physicochemical difference between proline and serine.